The following is an entry in ClinVar:

NC_000016.9:g.(?_89869657)_(89877489_?)dup

Gene: FANCA (FA complementation group A; minus strand). Cytogenetic location: 16q24.3.
Variant type: Duplication.
Identifiers: ClinVar variation 2422428 (VCV002422428.4).

ClinVar aggregate classification (germline): Likely pathogenic (1 of 4 stars; one submission).

Conditions:
Fanconi anemia (FA). Also called: Fanconi's anemia. Identifiers: Orphanet 84, MedGen C0015625, MeSH D005199, MONDO:0019391.

Submission:

Labcorp Genetics (formerly Invitae), Labcorp
Classification: Likely pathogenic for Fanconi anemia. Last evaluated: 2022-04-18. Review status: criteria provided, single submitter. Criteria: Invitae Variant Classification Sherloc (09022015). Collection method: clinical testing. Allele origin: germline.
Comment: This variant results in a copy number gain of the genomic region encompassing exon(s) 4-8 of the FANCA gene. While the exact position of this variant cannot be determined from the data, sub-genic copy number gains are generally in tandem (PMID: 25640679). This variant is predicted to be out-of-frame, and may result in an absent or disrupted protein product. Loss-of-function variants in FANCA are known to be pathogenic (PMID: 19367192). This variant has not been reported in the literature in individuals affected with FANCA-related conditions. In summary, the currently available evidence indicates that the variant is pathogenic, but additional data are needed to prove that conclusively. Therefore, this variant has been classified as Likely Pathogenic.

Literature cited by the submitters: PubMed 25640679; PubMed 19367192.